The following is an entry in ClinVar:

NM_002769.5(PRSS1):c.454+75A>G

Genes: PRSS1 (serine protease 1; plus strand), TRB (T cell receptor beta locus; plus strand). Cytogenetic location: 7q34.
Variant type: single nucleotide variant.
Coding change: c.454+75A>G on transcript NM_002769.5 (MANE Select); 75 bases into the intron after coding-DNA position 454, A replaced by G.
Molecular consequence: intron variant.
Genome position (GRCh38, 1-based): chr7:142,752,102, A>G. VCF-style: chr7-142752102-A-G. GRCh37 (hg19) VCF-style: chr7-142459953-A-G.
Identifiers: ClinVar variation 1147159 (VCV001147159.12), dbSNP rs1376416883, ClinGen allele CA834454352.
Genomic context (GRCh38, chr7:142,752,102, plus strand): 5'-TAGTCCTTCTACTTCCCTCCATCCTCACAATTTCCAGAACAAACCATGCCCCTTAACTTG[A>G]ATCCTCTCACCTCCAGGCTTAAGACACATTTCGAGTGCCCATTACACACAGACTCTGCAC-3'

ClinVar aggregate classification (germline): Conflicting classifications of pathogenicity. Review status: criteria provided, conflicting classifications (1 of 4 stars). 2 submissions from 2 submitters: Uncertain significance (1); Likely benign (1). Last evaluated 2026-03-31.

Conditions:
Hereditary pancreatitis (PCTT). Also called: Hereditary chronic pancreatitis; PRSS1-Related Hereditary Pancreatitis. Identifiers: Orphanet 676, MedGen C0238339, MONDO:0008185, OMIM 167800.

Allele frequency attached by ClinVar (database versions not stated): TOPMed 0.00002; gnomAD exomes 0.00001.

Submissions (2):

Ambry Genetics
Classification: Uncertain significance for Hereditary pancreatitis. Last evaluated: 2026-03-31. Review status: criteria provided, single submitter. Criteria: Ambry Variant Classification Scheme 2023. Collection method: clinical testing. Allele origin: germline.
Comment: The c.454+75A>G intronic variant results from an A to G substitution 75 nucleotides after coding exon 3 in the PRSS1 gene. In one or more case control studies, this variant was found to be associated with pancreatitis (Liu QC et al. Diabetes Technol Ther, 2009 Dec;11:799-804). This nucleotide position is poorly conserved on limited sequence alignment. In silico splice site analysis predicts that this alteration will not have any significant effect on splicing. In addition, intronic positions located outside of the consensus splice sites are tolerant to nucleotide substitution (Padgett RA Trends Genet. 2012 Apr 28;4:147-154). Based on the available evidence, the clinical significance of this variant remains unclear.

Labcorp Genetics (formerly Invitae), Labcorp
Classification: Likely benign for Hereditary pancreatitis. Last evaluated: 2020-08-26. Review status: criteria provided, single submitter. Criteria: Invitae Variant Classification Sherloc (09022015). Collection method: clinical testing. Allele origin: germline.

Literature cited by the submitters: PubMed 20001681 (cited by Ambry Genetics).